The following is an entry in ClinVar:

ClinVar aggregate classification (germline): Uncertain significance (1 of 4 stars; one submission).

Conditions:
Inborn genetic diseases. Identifiers: MedGen C0950123, MeSH D030342.

gnomAD v4.1: 3 of 1,613,790 alleles (0.00019%); highest among the groups gnomAD compares: Non-Finnish European, 0.00017%; no homozygotes.

Submission:

Ambry Genetics
Classification: Uncertain significance for Inborn genetic diseases. Last evaluated: 2026-06-10. Review status: criteria provided, single submitter. Criteria: Ambry Variant Classification Scheme 2023. Collection method: clinical testing. Allele origin: germline.
Comment: The p.H686Y variant (also known as c.2056C>T), located in coding exon 1 of the SAMD9L gene, results from a C to T substitution at nucleotide position 2056. The histidine at codon 686 is replaced by tyrosine, an amino acid with similar properties. This amino acid position is conserved. In addition, this alteration is predicted to be tolerated by in silico analysis. Based on the available evidence, the clinical significance of this variant remains unclear.

NM_152703.5(SAMD9L):c.2056C>T (p.His686Tyr)

Gene: SAMD9L (sterile alpha motif domain containing 9 like; minus strand). Cytogenetic location: 7q21.2.
Variant type: single nucleotide variant.
Coding change: c.2056C>T on transcript NM_152703.5 (MANE Select); coding-DNA position 2056, C replaced by T.
Protein change: p.His686Tyr; replaces histidine 686 with tyrosine.
Molecular consequence: missense variant.
Genome position (GRCh38, 1-based): chr7:93,133,916, G>A on the plus strand (C>T on the coding strand, the complement: SAMD9L is on the minus strand). VCF-style: chr7-93133916-G-A. GRCh37 (hg19) VCF-style: chr7-92763229-G-A.
Other names: c.2056C>T, p.His686Tyr (NM_001303498.3, NM_001303500.3, NM_001350082.2 and 5 more transcripts); short protein forms H686Y.
Identifiers: ClinVar variation 4864032 (VCV004864032.1).